The following is an entry in ClinVar:

ClinVar aggregate classification (germline): Uncertain significance. Review status: criteria provided, multiple submitters, no conflicts (2 of 4 stars). 2 submissions from 2 submitters: Uncertain significance (2). Last evaluated 2024-02-14.

Conditions:
Pseudoxanthoma elasticum, forme fruste. Also called: Pseudoxanthoma Elasticum, Incomplete; PSEUDOXANTHOMA ELASTICUM, HETEROZYGOUS. Identifiers: Orphanet 758, MedGen C1867450, MONDO:0008333, OMIM 177850.
Arterial calcification, generalized, of infancy, 2. Identifiers: Orphanet 51608, MedGen C3276161, MONDO:0013768, OMIM 614473.
Autosomal recessive inherited pseudoxanthoma elasticum (PXE). Identifiers: Orphanet 758, MedGen CN032334, MONDO:0009925, OMIM 264800.

Submissions (2):

Fulgent Genetics
Classification: Uncertain significance for Pseudoxanthoma elasticum, forme fruste; Autosomal recessive inherited pseudoxanthoma elasticum; Arterial calcification, generalized, of infancy, 2. Last evaluated: 2024-02-14. Review status: criteria provided, single submitter. Criteria: ACMG Guidelines, 2015. Collection method: clinical testing. Allele origin: germline.

Labcorp Genetics (formerly Invitae), Labcorp
Classification: Uncertain significance. Last evaluated: 2022-08-16. Review status: criteria provided, single submitter. Criteria: Invitae Variant Classification Sherloc (09022015). Collection method: clinical testing. Allele origin: germline.
Comment: This sequence change replaces arginine, which is basic and polar, with tryptophan, which is neutral and slightly polar, at codon 1468 of the ABCC6 protein (p.Arg1468Trp). This variant is present in population databases (rs776891665, gnomAD 0.004%). This variant has not been reported in the literature in individuals affected with ABCC6-related conditions. Algorithms developed to predict the effect of missense changes on protein structure and function are either unavailable or do not agree on the potential impact of this missense change (SIFT: "Deleterious"; PolyPhen-2: "Probably Damaging"; Align-GVGD: "Class C0"). In summary, the available evidence is currently insufficient to determine the role of this variant in disease. Therefore, it has been classified as a Variant of Uncertain Significance.

NM_001171.6(ABCC6):c.4402C>T (p.Arg1468Trp)

Genes: ABCC6 (ATP binding cassette subfamily C member 6; minus strand), LOC125146421 (Sharpr-MPRA regulatory region 15590; plus strand). Cytogenetic location: 16p13.11.
Variant type: single nucleotide variant.
Coding change: c.4402C>T on transcript NM_001171.6 (MANE Select); coding-DNA position 4402, C replaced by T.
Protein change: p.Arg1468Trp; replaces arginine 1468 with tryptophan.
Molecular consequence: missense variant. On other transcripts: non-coding transcript variant (1).
Genome position (GRCh38, 1-based): chr16:16,150,579, G>A on the plus strand (C>T on the coding strand, the complement: ABCC6 is on the minus strand). VCF-style: chr16-16150579-G-A. GRCh37 (hg19) VCF-style: chr16-16244436-G-A.
Other names: c.4060C>T, p.Arg1354Trp (NM_001351800.1); short protein forms R1354W, R1468W.
Identifiers: ClinVar variation 1923984 (VCV001923984.3), dbSNP rs776891665, ClinGen allele CA7925208.
Genomic context (GRCh38, chr16:16,150,579, plus strand): 5'-GCCTCCTTCCCCCACCACTGCAGGGCTGCTGTGAGGTCAGGCCGGGGCGGGAGCCTTACC[G>A]GGCACAGTCCATCACGGAGCGCAGGCGGTGGGCAATGAGCAGCACAGTGCACTGTGCAAA-3'
Protein context (NP_001162.5, residues 1458-1478): HRLRSVMDCA[Arg1468Trp]VLVMDKGQVA